The following is an entry in ClinVar:

NM_001379500.1(COL18A1):c.107-12513C>T

Gene: COL18A1 (collagen type XVIII alpha 1 chain; plus strand). Cytogenetic location: 21q22.3.
Variant type: single nucleotide variant.
Coding change: c.107-12513C>T on transcript NM_001379500.1 (MANE Select); 12513 bases into the intron before coding-DNA position 107, C replaced by T.
Molecular consequence: intron variant. On other transcripts: missense variant (2).
Genome position (GRCh38, 1-based): chr21:45,455,729, C>T. VCF-style: chr21-45455729-C-T. GRCh37 (hg19) VCF-style: chr21-46875643-C-T.
Other names: c.199C>T, p.Arg67Trp (NM_030582.4, NM_130444.3); c.199C>T (NM_030582.3); short protein forms R67W.
Identifiers: ClinVar variation 1519449 (VCV001519449.5), dbSNP rs375087150, ClinGen allele CA10065408.

ClinVar aggregate classification (germline): Conflicting classifications of pathogenicity. Review status: criteria provided, conflicting classifications (1 of 4 stars). 3 submissions from 3 submitters: Uncertain significance (2); Likely benign (1). Last evaluated 2026-08-26.

Conditions:
COL18A1-related disorder. Also called: COL18A1-related condition; COL18A1-related disorders.
Knobloch syndrome 1 (KNO1). Identifiers: MedGen C4551775, MONDO:0800167, OMIM 267750.

Allele frequency attached by ClinVar (database versions not stated): gnomAD 0.00005; gnomAD exomes 0.00005 and 0.00007; TOPMed 0.00005; ExAC 0.00010.
gnomAD v4.1: 98 of 1,613,954 alleles (0.0061%); highest among the groups gnomAD compares: African/African-American, 0.024%; no homozygotes.

Submissions (3):

PreventionGenetics, part of Exact Sciences
Classification: Uncertain significance for COL18A1-related condition. Last evaluated: 2026-08-26. Review status: criteria provided, single submitter. Criteria: ACMG Guidelines, 2015. Collection method: clinical testing. Allele origin: germline.
Comment: The COL18A1 c.199C>T variant is predicted to result in the amino acid substitution p.Arg67Trp. This variant is intronic in alternate transcript NM_130445.2 (c.107-12513C>T). To our knowledge, this variant has not been reported in the literature. This variant is reported in 0.023% of alleles in individuals of European (Finnish) descent in gnomAD. At this time, the clinical significance of this variant is uncertain due to the absence of conclusive functional and genetic evidence.

3billion
Classification: Likely benign for Knobloch syndrome 1. Last evaluated: 2024-09-20. Review status: criteria provided, single submitter. Criteria: ACMG Guidelines, 2015. Collection method: clinical testing. Allele origin: germline. Affected: no.
Comment: The homozygous variant was found in patients diagnosed with another variant in a different gene, with no symptoms related to the gene containing the homozygous variant.

Labcorp Genetics (formerly Invitae), Labcorp
Classification: Uncertain significance. Last evaluated: 2022-09-27. Review status: criteria provided, single submitter. Criteria: Invitae Variant Classification Sherloc (09022015). Collection method: clinical testing. Allele origin: germline.
Comment: The COL18A1 gene has multiple clinically relevant transcripts. This variant occurs in alternate transcript NM_030582.4, and corresponds to NM_130445.2:c.107-12513C>T in the primary transcript. This sequence change replaces arginine, which is basic and polar, with tryptophan, which is neutral and slightly polar, at codon 67 of the COL18A1 protein (p.Arg67Trp). This variant is present in population databases (rs375087150, gnomAD 0.02%). This variant has not been reported in the literature in individuals affected with COL18A1-related conditions. ClinVar contains an entry for this variant (Variation ID: 1519449). Experimental studies and prediction algorithms are not available or were not evaluated, and the functional significance of this variant is currently unknown. In summary, the available evidence is currently insufficient to determine the role of this variant in disease. Therefore, it has been classified as a Variant of Uncertain Significance.